The following is an entry in ClinVar:

ClinVar aggregate classification (germline): Likely pathogenic (1 of 4 stars; one submission).

Conditions:
Mucolipidosis type II. Also called: ML II ALPHA/BETA; Mucolipidosis 2; ML 2; Inclusion cell disease; Leroy Disease; N-acetylglucosamine 1phosphotransferase deficiency. Identifiers: Orphanet 576, MedGen C2673377, MONDO:0009650, OMIM 252500.
Pseudo-Hurler polydystrophy. Also called: ML III; ML III ALPHA/BETA; Mucolipidosis III Alpha/Beta; Type III Mucolipidosis; ML IIIA; MUCOLIPIDOSIS IIIA. Identifiers: Orphanet 423461, Orphanet 577, MedGen C0033788, MONDO:0018931, OMIM 252600.

Submission:

Diagnostics Division, CENTRE FOR DNA FINGERPRINTING AND DIAGNOSTICS
Classification: Likely pathogenic for Mucolipidosis type II; Pseudo-Hurler polydystrophy. Last evaluated: 2016-01-01. Review status: criteria provided, single submitter. Criteria: ACMG Guidelines, 2015. Collection method: research. Allele origin: unknown. Affected: yes. Observed: 1 homozygote.
Comment: Duplication variant

NM_024312.5(GNPTAB):c.2675dup (p.Leu892fs)

Gene: GNPTAB (N-acetylglucosamine-1-phosphate transferase subunits alpha and beta; minus strand). Cytogenetic location: 12q23.2.
Variant type: Duplication.
Coding change: c.2675dup on transcript NM_024312.5 (MANE Select); coding-DNA position 2675, one base duplicated (T; older notation c.2675dupT).
Protein change: p.Leu892fs; shifts the reading frame from leucine 892.
Molecular consequence: frameshift variant.
Genome position (GRCh38, 1-based): chr12:101,764,242, A duplicated on the plus strand (T on the coding strand, the reverse complement: GNPTAB is on the minus strand); the first of 5 consecutive A bases (chr12:101,764,242-101,764,246); duplicating any one gives the same sequence. VCF-style (leftmost placement, unchanged base first): chr12-101764241-C-CA. GRCh37 (hg19) VCF-style: chr12-102158019-C-CA.
Other names: short protein forms L892fs.
Identifiers: ClinVar variation 397563 (VCV000397563.3), dbSNP rs1555269488, ClinGen allele CA16609428.
Genomic context (GRCh38, chr12:101,764,241, plus strand): 5'-ATGAGGCTGGATGTTACTTACGTCGAGAAGATCTTGGAAATACTTTTTTTTCTCCCATGG[C>CA]AAAAAGCCCAAGTAACTATCTGTGTAATGCTGCAGCTTTCTTCCAAGTAACACTTCAGTA-3'